The following is an entry in ClinVar:

NM_001363118.2(SLC52A2):c.545del (p.Gly182fs)

Gene: SLC52A2 (solute carrier family 52 member 2; plus strand). Cytogenetic location: 8q24.3.
Variant type: Deletion.
Coding change: c.545del on transcript NM_001363118.2 (MANE Select); coding-DNA position 545, one base deleted (G; older notation c.545delG).
Protein change: p.Gly182fs; shifts the reading frame from glycine 182.
Molecular consequence: frameshift variant. On other transcripts: non-coding transcript variant (1), intron variant (1).
Genome position (GRCh38, 1-based): chr8:144,360,037, G deleted; the last of 2 consecutive G bases (chr8:144,360,036-144,360,037); deleting either gives the same sequence. VCF-style (leftmost placement, unchanged base first): chr8-144360035-TG-T. GRCh37 (hg19) VCF-style: chr8-145583695-TG-T.
Other names: c.545del, p.Gly182fs (NM_001253815.2, NM_001253816.2, NM_001363120.2 and 2 more transcripts); c.281del, p.Gly94fs (NM_001410949.1); c.131-78del (NM_001363122.2); short protein forms G182fs, G94fs.
Identifiers: ClinVar variation 3710640 (VCV003710640.2).

ClinVar aggregate classification (germline): Pathogenic (1 of 4 stars; one submission).

Conditions:
Brown-Vialetto-van Laere syndrome 2. Also called: Riboflavin transporter deficiency type 2; SPINOCEREBELLAR ATAXIA WITH BLINDNESS AND DEAFNESS 2. Identifiers: Orphanet 572543, Orphanet 97229, MedGen C3553538, MONDO:0013867, OMIM 614707.

Submission:

Labcorp Genetics (formerly Invitae), Labcorp
Classification: Pathogenic for Brown-Vialetto-van Laere syndrome 2. Last evaluated: 2024-10-12. Review status: criteria provided, single submitter. Criteria: Invitae Variant Classification Sherloc (09022015). Collection method: clinical testing. Allele origin: germline.
Comment: This sequence change creates a premature translational stop signal (p.Gly182Alafs*19) in the SLC52A2 gene. It is expected to result in an absent or disrupted protein product. Loss-of-function variants in SLC52A2 are known to be pathogenic (PMID: 24253200). This variant is not present in population databases (gnomAD no frequency). This variant has not been reported in the literature in individuals affected with SLC52A2-related conditions. For these reasons, this variant has been classified as Pathogenic.

Literature cited by the submitters: PubMed 24253200.